The following is an entry in ClinVar:

NM_000400.4(ERCC2):c.517G>A (p.Gly173Ser)

Gene: ERCC2 (ERCC excision repair 2, TFIIH core complex helicase subunit; minus strand). Cytogenetic location: 19q13.32.
Variant type: single nucleotide variant.
Coding change: c.517G>A on transcript NM_000400.4 (MANE Select); coding-DNA position 517, G replaced by A.
Protein change: p.Gly173Ser; replaces glycine 173 with serine.
Molecular consequence: missense variant.
Genome position (GRCh38, 1-based): chr19:45,364,915, C>T on the plus strand (G>A on the coding strand, the complement: ERCC2 is on the minus strand). VCF-style: chr19-45364915-C-T. GRCh37 (hg19) VCF-style: chr19-45868173-C-T.
Other names: c.445G>A, p.Gly149Ser (NM_001130867.2); short protein forms G149S, G173S.
Identifiers: ClinVar variation 3231700 (VCV003231700.2), dbSNP rs2514034188, ClinGen allele CA406375744.

ClinVar aggregate classification (germline): Uncertain significance. Review status: criteria provided, multiple submitters, no conflicts (2 of 4 stars). 2 submissions from 2 submitters: Uncertain significance (2). Last evaluated 2023-02-04.

Conditions:
Inborn genetic diseases. Identifiers: MedGen C0950123, MeSH D030342.

Allele frequency attached by ClinVar (database versions not stated): gnomAD exomes below 0.00001.
gnomAD v4.1: 1 of 1,614,144 alleles (0.000062%); highest among the groups gnomAD compares: South Asian, 0.0011%; no homozygotes.

Submissions (2):

Ambry Genetics
Classification: Uncertain significance for Inborn genetic diseases. Last evaluated: 2023-02-04. Review status: criteria provided, single submitter. Criteria: Ambry Variant Classification Scheme 2023. Collection method: clinical testing. Allele origin: germline.
Comment: The p.G173S variant (also known as c.517G>A), located in coding exon 7 of the ERCC2 gene, results from a G to A substitution at nucleotide position 517. The glycine at codon 173 is replaced by serine, an amino acid with similar properties. This amino acid position is conserved. In addition, the in silico prediction for this alteration is inconclusive. Since supporting evidence is limited at this time, the clinical significance of this alteration remains unclear.

Blueprint Genetics
Classification: Uncertain significance. Last evaluated: 2021-08-24. Review status: criteria provided, single submitter. Criteria: ACMG Guidelines, 2015. Collection method: clinical testing. Allele origin: germline.